The following is an entry in ClinVar:

ClinVar aggregate classification (germline): Conflicting classifications of pathogenicity. Review status: criteria provided, conflicting classifications (1 of 4 stars). 25 submissions from 25 submitters: Uncertain significance (2); Benign (8); Likely benign (9). 6 of the submissions do not count toward it. Last evaluated 2026-09-01.

Conditions:
PKP2-related disorder. Also called: PKP2-related condition.
Cardiovascular phenotype. Identifiers: MedGen CN230736.
Arrhythmogenic right ventricular cardiomyopathy (ARVD). Also called: Arrhythmogenic Right Ventricular Cardiomyopathy (ARVC); Cardiomyopathy, ARVC; Arrhythmogenic right ventricular dysplasia; Arrhythmogenic cardiomyopathy. Identifiers: Orphanet 247, MedGen C0349788, MeSH D019571, MONDO:0016587. Disease mechanism: loss of function. Inheritance: Various modes of inheritance.
Cardiomyopathy (CMYO). Also called: Cardiomyopathies. Identifiers: Orphanet 167848, MedGen C0878544, MONDO:0004994, HP:0001638. Inheritance: Various modes of inheritance.
Arrhythmogenic right ventricular dysplasia 9 (ARVD9). Also called: Arrhythmogenic Right Ventricular Dysplasia/Cardiomyopathy 9; ARRHYTHMOGENIC RIGHT VENTRICULAR DYSPLASIA, FAMILIAL, 9. Identifiers: MedGen C1836906, MONDO:0012180, OMIM 609040.
Ventricular tachycardia. Identifiers: MedGen C0042514, MONDO:0005477, HP:0004756.

Allele frequency attached by ClinVar (database versions not stated): 1000 Genomes Project 0.00060; 1000 Genomes Project 30x 0.00094; gnomAD 0.00243 and 0.00255; gnomAD exomes 0.00388 and 0.00245; ExAC 0.00237; TOPMed 0.00247; ESP Exome Variant Server 0.00323.
gnomAD v4.1: 6,051 of 1,611,974 alleles (0.38%); highest among the groups gnomAD compares: Non-Finnish European, 0.44%; 18 homozygotes.

Submissions 1 to 17 of 25:

CeGaT Center for Human Genetics Tuebingen
Classification: Benign. Last evaluated: 2026-09-01. Review status: criteria provided, single submitter. Criteria: CeGaT Center For Human Genetics Tuebingen Variant Classification Criteria Version 2. Collection method: clinical testing. Allele origin: germline. Affected: yes. Observed: 32 variant alleles.
Comment: PKP2: BS1, BS2

Labcorp Genetics (formerly Invitae), Labcorp
Classification: Likely benign for Arrhythmogenic right ventricular dysplasia 9. Last evaluated: 2026-02-03. Review status: criteria provided, single submitter. Criteria: Invitae Variant Classification Sherloc (09022015). Collection method: clinical testing. Allele origin: germline.

ARUP Laboratories, Molecular Genetics and Genomics, ARUP Laboratories
Classification: Benign for Arrhythmogenic right ventricular dysplasia 9. Last evaluated: 2025-07-10. Review status: criteria provided, single submitter. Criteria: ARUP Molecular Germline Variant Investigation Process 2024. Collection method: clinical testing. Allele origin: germline.

Molecular Diagnostic Laboratory for Inherited Cardiovascular Disease, Montreal Heart Institute
Classification: Benign. Last evaluated: 2025-04-08. Review status: criteria provided, single submitter. Criteria: ACMG Guidelines, 2015. Collection method: clinical testing. Allele origin: germline. Affected: no.

Blueprint Genetics
Classification: Likely benign. Last evaluated: 2024-11-26. Review status: criteria provided, single submitter. Criteria: ACMG Guidelines, 2015. Collection method: clinical testing. Allele origin: germline.

All of Us Research Program, National Institutes of Health
Classification: Likely benign for Arrhythmogenic right ventricular cardiomyopathy. Last evaluated: 2024-09-23. Review status: criteria provided, single submitter. Criteria: ACMG Guidelines, 2015. Collection method: clinical testing. Allele origin: germline. Inheritance: Autosomal dominant inheritance. Observed: 1,106 variant alleles, 1,103 heterozygotes, 2 homozygotes, 1 hemizygote.
Comment: This study involves interpretation of variants in research participants for the purpose of population health screening. Participant phenotype was not available at the time of variant classification. Additional details can be found in publication PMID: 35346344, PMCID: PMC8962531

Mayo Clinic Laboratories, Mayo Clinic
Classification: Benign. Last evaluated: 2024-04-15. Review status: criteria provided, single submitter. Criteria: ACMG Guidelines, 2015. Collection method: clinical testing. Allele origin: germline. Observed: 7 variant alleles.
Comment: BS1, BS2, BP5

Women's Health and Genetics/Laboratory Corporation of America, LabCorp
Classification: Likely benign. Last evaluated: 2021-08-22. Review status: criteria provided, single submitter. Criteria: LabCorp Variant Classification Summary - May 2015. Collection method: clinical testing. Allele origin: germline.
Comment: Variant summary: PKP2 c.1759G>A (p.Val587Ile) results in a conservative amino acid change located in the Armadillo (IPR000225) of the encoded protein sequence. Three of five in-silico tools predict a benign effect of the variant on protein function. The variant allele was found at a frequency of 0.0025 in 254134 control chromosomes, predominantly at a frequency of 0.0036 within the Non-Finnish European subpopulation in the gnomAD database. The observed variant frequency within Non-Finnish European control individuals in the gnomAD database is approximately 3.35 fold of the estimated maximal expected allele frequency for a pathogenic variant in PKP2 causing Cardiomyopathy phenotype (0.0011), strongly suggesting that the variant is a benign polymorphism found primarily in populations of Non-Finnish European origin. c.1759G>A has been reported in the literature in individuals affected with Cardiomyopathy (DenHaan_2009, Haas_2015, teRiele_2013, Baskin_2013, Basso_2006, Leong_2017, Connell_2018), but also in controls (Basso_2006, Christensen_2009, Fressart_2010, Kapplinger_2011). These reports do not provide unequivocal conclusions about association of the variant with Cardiomyopathy. At least one publication reports experimental evidence evaluating an impact on protein function. These results showed no damaging effect of this variant in terms of stable expression and localization to the cell membrane (Kirchner_2012). Eleven ClinVar submitters (evaluation after 2014) cite the variant as uncertain significance (n=2), likely benign (n=5) and benign (n=4). Based on the evidence outlined above, the variant was classified as likely benign.

GeneDx
Classification: Likely benign. Last evaluated: 2021-01-15. Review status: criteria provided, single submitter. Criteria: GeneDx Variant Classification Process June 2021. Collection method: clinical testing. Allele origin: germline. Affected: yes.
Comment: This variant is associated with the following publications: (PMID: 31402444, 24055113, 24585727, 19955750, 22781308, 23299917, 20400443, 25637381, 21859740, 16774985, 19863551, 27153395, 26332594, 30656044)

Mendelics
Classification: Benign for Arrhythmogenic right ventricular dysplasia 9. Last evaluated: 2019-05-28. Review status: criteria provided, single submitter. Criteria: Mendelics Assertion Criteria 2017. Collection method: clinical testing. Allele origin: unknown.

Center for Advanced Laboratory Medicine, UC San Diego Health, University of California San Diego
Classification: Likely benign for Ventricular tachycardia. Last evaluated: 2018-03-26. Review status: criteria provided, single submitter. Criteria: ACMG Guidelines, 2015. Collection method: clinical testing. Allele origin: germline. Affected: yes. Observed: 1 variant allele.

Color Diagnostics, LLC DBA Color Health
Classification: Likely benign for Cardiomyopathy. Last evaluated: 2018-03-13. Review status: criteria provided, single submitter. Criteria: ACMG Guidelines, 2015. Collection method: clinical testing. Allele origin: germline.

Institute for Genomic Medicine (IGM) Clinical Laboratory, Nationwide Children's Hospital
Classification: Likely benign. Last evaluated: 2017-11-21. Review status: criteria provided, single submitter. Criteria: ACMG Guidelines, 2015. Collection method: clinical testing. Allele origin: germline.
Comment: BS1, BP6; This alteration has an allele frequency that is greater than expected for the associated disease, and was reported as a benign/likely benign alteration by a reputable source (ClinVar or other correspondence from a clinical testing laboratory).

CHEO Genetics Diagnostic Laboratory, Children's Hospital of Eastern Ontario
Classification: Benign for Cardiomyopathy. Last evaluated: 2017-10-31. Review status: criteria provided, single submitter. Criteria: ACMG Guidelines, 2015. Collection method: clinical testing. Allele origin: germline.

Illumina Laboratory Services, Illumina
Classification: Uncertain significance for Arrhythmogenic right ventricular dysplasia 9. Last evaluated: 2017-04-27. Review status: criteria provided, single submitter. Criteria: ICSL Variant Classification Criteria 13 December 2019. Collection method: clinical testing. Allele origin: germline.
Comment: This variant was observed as part of a predisposition screen in an ostensibly healthy population. A literature search was performed for the gene, cDNA change, and amino acid change (where applicable). Publications were found based on this search. However, the evidence from the literature, in combination with allele frequency data from public databases where available, was not sufficient to rule this variant in or out of causing disease. Therefore, this variant is classified as a variant of unknown significance.

Ambry Genetics
Classification: Benign for Cardiovascular phenotype. Last evaluated: 2017-03-10. Review status: criteria provided, single submitter. Criteria: Ambry Variant Classification Scheme 2023. Collection method: clinical testing. Allele origin: germline.

Laboratory for Molecular Medicine, Mass General Brigham Personalized Medicine
Classification: Likely benign. Last evaluated: 2015-02-05. Review status: criteria provided, single submitter. Criteria: LMM Criteria. Collection method: clinical testing. Allele origin: germline. Observed: 19 variant alleles.
Comment: p.Val587Ile in exon 8 of PKP2: This variant was initially believed to be likely disease causing based on its presence in 2 probands with ARVD/C and absence from 600 control chromosomes (Den Hann 2009, Basso 2006, Albuisson 2007). However, s everal studies identified this variant in 0.2%-0.8% of healthy control chromosom es (Christensen 2010: 3/1300; Fressart 2010: 3/600; Barahona-Dussault 2010: 0.08 %). Furthermore, it has been identified in 0.4% (252/66718) of European chromoso mes by the Exome Aggregation Consortium (ExAC; d bSNP rs146102241). In summary, we cannot rule out that this variant modifies dis ease severity, but believe that it is unlikely disease causing when present in i solation.

NM_001005242.3(PKP2):c.1627G>A (p.Val543Ile)

Gene: PKP2 (plakophilin 2; minus strand). Cytogenetic location: 12p11.21.
Variant type: single nucleotide variant.
Coding change: c.1627G>A on transcript NM_001005242.3 (MANE Select); coding-DNA position 1627, G replaced by A.
Protein change: p.Val543Ile; replaces valine 543 with isoleucine.
Molecular consequence: missense variant.
Genome position (GRCh38, 1-based): chr12:32,824,092, C>T on the plus strand (G>A on the coding strand, the complement: PKP2 is on the minus strand). VCF-style: chr12-32824092-C-T. GRCh37 (hg19) VCF-style: chr12-32977026-C-T.
Other names: p.V587I:GTC>ATC; c.1759G>A, p.Val587Ile (NM_004572.4); short protein forms V587I, V543I.
Identifiers: ClinVar variation 36681 (VCV000036681.80), dbSNP rs146102241, ClinGen allele CA010644.